The following is an entry in ClinVar:

NM_006180.6(NTRK2):c.1441G>A (p.Val481Ile)

Gene: NTRK2 (neurotrophic receptor tyrosine kinase 2; plus strand). Cytogenetic location: 9q21.33.
Variant type: single nucleotide variant.
Coding change: c.1441G>A on transcript NM_006180.6 (MANE Select); coding-DNA position 1441, G replaced by A.
Protein change: p.Val481Ile; replaces valine 481 with isoleucine.
Molecular consequence: missense variant. On other transcripts: intron variant (7).
Genome position (GRCh38, 1-based): chr9:84,861,084, G>A. VCF-style: chr9-84861084-G-A. GRCh37 (hg19) VCF-style: chr9-87475999-G-A.
Other names: c.1441G>A, p.Val481Ile (NM_001018065.2, NM_001369537.1); c.973G>A, p.Val325Ile (NM_001369536.1); c.1397-6159G>A (NM_001369532.1, NM_001369533.1, NM_001018066.3 and 2 more transcripts); c.1361-6159G>A (NM_001369534.1); c.929-6159G>A (NM_001369535.1); c.1441G>A (NM_006180.4); short protein forms V325I, V481I.
Identifiers: ClinVar variation 1514337 (VCV001514337.8), dbSNP rs200458149, ClinGen allele CA5105758.
Genomic context (GRCh38, chr9:84,861,084, plus strand): 5'-TTGTTGTGGTTTTCAGATTTCTCATGGTTTGGATTTGGGAAAGTAAAATCAAGACAAGGT[G>A]TTGGTAAGTAGTTAACTCACTCCTTCTTTGGATAAGTAATGAGTCTATGTTTTTATTCGG-3'
Protein context (NP_006171.2, residues 471-491): GFGKVKSRQG[Val481Ile]GPASVISNDD

ClinVar aggregate classification (germline): Uncertain significance. Review status: criteria provided, multiple submitters, no conflicts (2 of 4 stars). 2 submissions from 2 submitters: Uncertain significance (2). Last evaluated 2025-11-17.

Conditions:
NTRK2-related disorder. Also called: NTRK2-related condition.

Allele frequency attached by ClinVar (database versions not stated): ExAC 0.00002; gnomAD exomes 0.00002; gnomAD 0.00003 and 0.00004; TOPMed 0.00004.

Submissions (2):

PreventionGenetics, part of Exact Sciences
Classification: Uncertain significance for NTRK2-related condition. Last evaluated: 2025-11-17. Review status: criteria provided, single submitter. Criteria: ACMG Guidelines, 2015. Collection method: clinical testing. Allele origin: germline.
Comment: The NTRK2 c.1441G>A variant is predicted to result in the amino acid substitution p.Val481Ile. To our knowledge, this variant has not been reported in the literature. This variant is reported in 0.0047% of alleles in individuals of European (Non-Finnish) descent in gnomAD. At this time, the clinical significance of this variant is uncertain due to the absence of conclusive functional and genetic evidence.

Labcorp Genetics (formerly Invitae), Labcorp
Classification: Uncertain significance. Last evaluated: 2025-10-02. Review status: criteria provided, single submitter. Criteria: Invitae Variant Classification Sherloc (09022015). Collection method: clinical testing. Allele origin: germline.
Comment: This sequence change replaces valine, which is neutral and non-polar, with isoleucine, which is neutral and non-polar, at codon 481 of the NTRK2 protein (p.Val481Ile). This variant is present in population databases (rs200458149, gnomAD 0.005%). This variant has not been reported in the literature in individuals affected with NTRK2-related conditions. ClinVar contains an entry for this variant (Variation ID: 1514337). Invitae Evidence Modeling of protein sequence and biophysical properties (such as structural, functional, and spatial information, amino acid conservation, physicochemical variation, residue mobility, and thermodynamic stability) indicates that this missense variant is expected to disrupt NTRK2 protein function with a positive predictive value of 95%. In summary, the available evidence is currently insufficient to determine the role of this variant in disease. Therefore, it has been classified as a Variant of Uncertain Significance.